The following is an entry in ClinVar:

NM_004187.5(KDM5C):c.835G>C (p.Gly279Arg)

Gene: KDM5C (lysine demethylase 5C; minus strand). Cytogenetic location: Xp11.22.
Variant type: single nucleotide variant.
Coding change: c.835G>C on transcript NM_004187.5 (MANE Select); coding-DNA position 835, G replaced by C.
Protein change: p.Gly279Arg; replaces glycine 279 with arginine.
Molecular consequence: missense variant. On other transcripts: non-coding transcript variant (3).
Genome position (GRCh38, 1-based): chrX:53,215,923, C>G on the plus strand (G>C on the coding strand, the complement: KDM5C is on the minus strand). VCF-style: chrX-53215923-C-G. GRCh37 (hg19) VCF-style: chrX-53245105-C-G.
Other names: c.634G>C, p.Gly212Arg (NM_001146702.2); c.832G>C, p.Gly278Arg (NM_001282622.3, NM_001353979.2, NM_001353982.2); c.835G>C, p.Gly279Arg (NM_001353978.3, NM_001353981.2, NM_001353984.2); short protein forms G278R, G212R, G279R.
Identifiers: ClinVar variation 1359910 (VCV001359910.7), dbSNP rs2073727852, ClinGen allele CA413133192.

ClinVar aggregate classification (germline): Uncertain significance (1 of 4 stars; one submission).

Conditions:
Spastic paraplegia. Identifiers: MedGen C0037772, HP:0001258.

Allele frequency attached by ClinVar (database versions not stated): TOPMed 0.00001.
gnomAD v4.1: 1 of 1,211,976 alleles (0.000083%); highest among the groups gnomAD compares: Non-Finnish European, 0.00011%; no homozygotes.

Submission:

Labcorp Genetics (formerly Invitae), Labcorp
Classification: Uncertain significance for Spastic paraplegia. Last evaluated: 2022-09-07. Review status: criteria provided, single submitter. Criteria: Invitae Variant Classification Sherloc (09022015). Collection method: clinical testing. Allele origin: germline.
Comment: This sequence change replaces glycine, which is neutral and non-polar, with arginine, which is basic and polar, at codon 279 of the KDM5C protein (p.Gly279Arg). This variant is not present in population databases (gnomAD no frequency). This variant has not been reported in the literature in individuals affected with KDM5C-related conditions. ClinVar contains an entry for this variant (Variation ID: 1359910). Advanced modeling of protein sequence and biophysical properties (such as structural, functional, and spatial information, amino acid conservation, physicochemical variation, residue mobility, and thermodynamic stability) performed at Invitae indicates that this missense variant is not expected to disrupt KDM5C protein function. In summary, the available evidence is currently insufficient to determine the role of this variant in disease. Therefore, it has been classified as a Variant of Uncertain Significance.